The following is an entry in ClinVar:

ClinVar aggregate classification (germline): Likely benign. Review status: criteria provided, multiple submitters, no conflicts (2 of 4 stars). 2 submissions from 2 submitters: Likely benign (2). Last evaluated 2025-11-23.

Allele frequency attached by ClinVar (database versions not stated): TOPMed below 0.00001; gnomAD 0.00003; gnomAD exomes 0.00003; ExAC 0.00004.
gnomAD v4.1: 47 of 1,614,028 alleles (0.0029%); highest among the groups gnomAD compares: Non-Finnish European, 0.0029%; no homozygotes.

Submissions (2):

Labcorp Genetics (formerly Invitae), Labcorp
Classification: Likely benign. Last evaluated: 2025-11-23. Review status: criteria provided, single submitter. Criteria: Invitae Variant Classification Sherloc (09022015). Collection method: clinical testing. Allele origin: germline.

CeGaT Center for Human Genetics Tuebingen
Classification: Likely benign. Last evaluated: 2024-02-01. Review status: criteria provided, single submitter. Criteria: CeGaT Center For Human Genetics Tuebingen Variant Classification Criteria Version 2. Collection method: clinical testing. Allele origin: germline. Affected: yes. Observed: 1 variant allele.
Comment: TBCE: BP4, BP7

NM_003193.5(TBCE):c.1170A>G (p.Gly390=)

Gene: TBCE (tubulin folding cofactor E; plus strand). Cytogenetic location: 1q42.3.
Variant type: single nucleotide variant.
Coding change: c.1170A>G on transcript NM_003193.5 (MANE Select); coding-DNA position 1170, A replaced by G.
Protein change: p.Gly390=; no amino-acid change (glycine 390 retained).
Molecular consequence: synonymous variant.
Genome position (GRCh38, 1-based): chr1:235,438,822, A>G. VCF-style: chr1-235438822-A-G. GRCh37 (hg19) VCF-style: chr1-235602137-A-G.
Other names: c.1170A>G, p.Gly390= (NM_001079515.3); c.1323A>G, p.Gly441= (NM_001287801.2); c.831A>G, p.Gly277= (NM_001287802.2).
Identifiers: ClinVar variation 2876613 (VCV002876613.25), dbSNP rs750280022, ClinGen allele CA1464366.